The following is an entry in ClinVar:

NM_003128.3(SPTBN1):c.5998A>G (p.Lys2000Glu)

Gene: SPTBN1 (spectrin beta, non-erythrocytic 1; plus strand). Cytogenetic location: 2p16.2.
Variant type: single nucleotide variant.
Coding change: c.5998A>G on transcript NM_003128.3 (MANE Select); coding-DNA position 5998, A replaced by G.
Protein change: p.Lys2000Glu; replaces lysine 2000 with glutamic acid.
Molecular consequence: missense variant.
Genome position (GRCh38, 1-based): chr2:54,655,950, A>G. VCF-style: chr2-54655950-A-G. GRCh37 (hg19) VCF-style: chr2-54883087-A-G.
Other names: c.5959A>G, p.Lys1987Glu (NM_178313.3); short protein forms K1987E, K2000E.
Identifiers: ClinVar variation 1699833 (VCV001699833.3), dbSNP rs2104170361, ClinGen allele CA346854767.
Genomic context (GRCh38, chr2:54,655,950, plus strand): 5'-CCGGGGATCCTCTTTTTCATACAGATCAAGGAAAAATTACTGCAGTTGACGGAAAAGAGG[A>G]AAGAAATGATCGACAAGTGGGAAGACCGATGGGAATGGTTAAGACTGAGTAAGGATGTAG-3'
Protein context (NP_003119.2, residues 1990-2010): EKLLQLTEKR[Lys2000Glu]EMIDKWEDRW

ClinVar aggregate classification (germline): Uncertain significance (1 of 4 stars; one submission).

Submission:

GeneDx
Classification: Uncertain significance. Last evaluated: 2023-07-03. Review status: criteria provided, single submitter. Criteria: GeneDx Variant Classification Process June 2021. Collection method: clinical testing. Allele origin: germline.
Comment: Not observed at significant frequency in large population cohorts (gnomAD); In silico analysis supports that this missense variant does not alter protein structure/function; Has not been previously published as pathogenic or benign to our knowledge